The following is an entry in ClinVar:

ClinVar aggregate classification (germline): Uncertain significance (1 of 4 stars; one submission).

Conditions:
Charcot-Marie-Tooth disease axonal type 2C (HMSN2C). Also called: CHARCOT-MARIE-TOOTH DISEASE, AXONAL, AUTOSOMAL DOMINANT, TYPE 2C; Charcot-Marie-Tooth Neuropathy Type 2C; Charcot-Marie-Tooth Disease Type 2, TRPV4-Related (CMT2C). Identifiers: Orphanet 99937, MedGen C1853710, MONDO:0011633, OMIM 606071.

gnomAD v4.1: 1 of 1,614,076 alleles (0.000062%); highest among the groups gnomAD compares: Admixed American, 0.0017%; no homozygotes.

Submission:

Labcorp Genetics (formerly Invitae), Labcorp
Classification: Uncertain significance for Charcot-Marie-Tooth disease axonal type 2C. Last evaluated: 2025-04-28. Review status: criteria provided, single submitter. Criteria: Invitae Variant Classification Sherloc (09022015). Collection method: clinical testing. Allele origin: germline.
Comment: This sequence change replaces proline, which is neutral and non-polar, with serine, which is neutral and polar, at codon 143 of the TRPV4 protein (p.Pro143Ser). This variant is present in population databases (no rsID available, gnomAD 0.003%). This variant has not been reported in the literature in individuals affected with TRPV4-related conditions. ClinVar contains an entry for this variant (Variation ID: 1501393). Invitae Evidence Modeling of protein sequence and biophysical properties (such as structural, functional, and spatial information, amino acid conservation, physicochemical variation, residue mobility, and thermodynamic stability) indicates that this missense variant is not expected to disrupt TRPV4 protein function with a negative predictive value of 95%. In summary, the available evidence is currently insufficient to determine the role of this variant in disease. Therefore, it has been classified as a Variant of Uncertain Significance.

NM_021625.5(TRPV4):c.427C>T (p.Pro143Ser)

Gene: TRPV4 (transient receptor potential cation channel subfamily V member 4; minus strand). Cytogenetic location: 12q24.11.
Variant type: single nucleotide variant.
Coding change: c.427C>T on transcript NM_021625.5 (MANE Select); coding-DNA position 427, C replaced by T.
Protein change: p.Pro143Ser; replaces proline 143 with serine.
Molecular consequence: missense variant.
Genome position (GRCh38, 1-based): chr12:109,808,428, G>A on the plus strand (C>T on the coding strand, the complement: TRPV4 is on the minus strand). VCF-style: chr12-109808428-G-A. GRCh37 (hg19) VCF-style: chr12-110246233-G-A.
Other names: c.427C>T, p.Pro143Ser (NM_147204.3, NM_001177428.2, NM_001177433.2); c.325C>T, p.Pro109Ser (NM_001177431.2); short protein forms P109S, P143S.
Identifiers: ClinVar variation 1501393 (VCV001501393.8), dbSNP rs201642486, ClinGen allele CA386657339.